The following is an entry in ClinVar:

ClinVar aggregate classification (germline): Uncertain significance (1 of 4 stars; one submission).

Submission:

Ambry Genetics
Classification: Uncertain significance. Last evaluated: 2021-11-16. Review status: criteria provided, single submitter. Criteria: Ambry Variant Classification Scheme 2023. Collection method: clinical testing. Allele origin: germline.
Comment: The p.Q221H variant (also known as c.663G>C), located in coding exon 1 of the PALLD gene, results from a G to C substitution at nucleotide position 663. The glutamine at codon 221 is replaced by histidine, an amino acid with highly similar properties. This amino acid position is conserved. In addition, this alteration is predicted to be tolerated by in silico analysis. Since supporting evidence is limited at this time, the clinical significance of this alteration remains unclear.

NM_001166108.2(PALLD):c.663G>C (p.Gln221His)

Gene: PALLD (palladin, cytoskeletal associated protein; plus strand). Cytogenetic location: 4q32.3.
Variant type: single nucleotide variant.
Coding change: c.663G>C on transcript NM_001166108.2 (MANE Select); coding-DNA position 663, G replaced by C.
Protein change: p.Gln221His; replaces glutamine 221 with histidine.
Molecular consequence: missense variant.
Genome position (GRCh38, 1-based): chr4:168,512,167, G>C. VCF-style: chr4-168512167-G-C. GRCh37 (hg19) VCF-style: chr4-169433318-G-C.
Other names: c.663G>C, p.Gln221His (NM_016081.4); short protein forms Q221H.
Identifiers: ClinVar variation 1754635 (VCV001754635.2), dbSNP rs2531435093, ClinGen allele CA358727762.